The following is an entry in ClinVar:

NM_000350.3(ABCA4):c.180G>A (p.Ala60=)

Gene: ABCA4 (ATP binding cassette subfamily A member 4; minus strand). Cytogenetic location: 1p22.1.
Variant type: single nucleotide variant.
Coding change: c.180G>A on transcript NM_000350.3 (MANE Select); coding-DNA position 180, G replaced by A.
Protein change: p.Ala60=; no amino-acid change (alanine 60 retained).
Molecular consequence: synonymous variant.
Genome position (GRCh38, 1-based): chr1:94,111,560, C>T on the plus strand (G>A on the coding strand, the complement: ABCA4 is on the minus strand). VCF-style: chr1-94111560-C-T. GRCh37 (hg19) VCF-style: chr1-94577116-C-T.
Other names: c.180G>A (NM_000350.2); c.180G>A, p.Ala60= (NM_001425324.1).
Identifiers: ClinVar variation 1080363 (VCV001080363.11), dbSNP rs756647171, ClinGen allele CA958899.

ClinVar aggregate classification (germline): Likely benign. Review status: criteria provided, multiple submitters, no conflicts (2 of 4 stars). 3 submissions from 3 submitters: Likely benign (3). Last evaluated 2025-11-25.

Conditions:
ABCA4-related disorder. Also called: ABCA4-related disorders; ABCA4-related condition. Identifiers: MedGen CN239167.

Allele frequency attached by ClinVar (database versions not stated): gnomAD 0.00003; gnomAD exomes 0.00003 and 0.00004; TOPMed 0.00003; ExAC 0.00004; 1000 Genomes Project 30x 0.00031.
gnomAD v4.1: 46 of 1,614,230 alleles (0.0028%); highest among the groups gnomAD compares: Admixed American, 0.01%; no homozygotes.

Submissions (3):

Labcorp Genetics (formerly Invitae), Labcorp
Classification: Likely benign. Last evaluated: 2025-11-25. Review status: criteria provided, single submitter. Criteria: Invitae Variant Classification Sherloc (09022015). Collection method: clinical testing. Allele origin: germline.

PreventionGenetics, part of Exact Sciences
Classification: Likely benign for ABCA4-related condition. Last evaluated: 2025-05-04. Review status: criteria provided, single submitter. Criteria: ACMG Guidelines, 2015. Collection method: clinical testing. Allele origin: germline.
Comment: This variant is classified as likely benign based on ACMG/AMP sequence variant interpretation guidelines (Richards et al. 2015 PMID: 25741868, with internal and published modifications).

Blueprint Genetics
Classification: Likely benign. Last evaluated: 2021-08-25. Review status: criteria provided, single submitter. Criteria: ACMG Guidelines, 2015. Collection method: clinical testing. Allele origin: germline.